The following is an entry in ClinVar:

NM_001122955.4(BSCL2):c.938T>C (p.Ile313Thr)

Genes: HNRNPUL2-BSCL2 (HNRNPUL2-BSCL2 readthrough (NMD candidate); minus strand), BSCL2 (BSCL2 lipid droplet biogenesis associated, seipin; minus strand). Cytogenetic location: 11q12.3.
Variant type: single nucleotide variant.
Coding change: c.938T>C on transcript NM_001122955.4 (MANE Select); coding-DNA position 938, T replaced by C.
Protein change: p.Ile313Thr; replaces isoleucine 313 with threonine.
Molecular consequence: missense variant. On other transcripts: non-coding transcript variant (1), intron variant (1).
Genome position (GRCh38, 1-based): chr11:62,691,347, A>G on the plus strand (T>C on the coding strand, the complement: BSCL2 is on the minus strand). VCF-style: chr11-62691347-A-G. GRCh37 (hg19) VCF-style: chr11-62458819-A-G.
Other names: c.938T>C, p.Ile313Thr (NM_001386027.1, NM_001386028.1); c.746T>C, p.Ile249Thr (NM_032667.6); c.672-206T>C (NM_001130702.2); short protein forms I249T, I313T.
Identifiers: ClinVar variation 1806645 (VCV001806645.3), dbSNP rs1467129976, ClinGen allele CA380959807.

ClinVar aggregate classification (germline): Uncertain significance. Review status: criteria provided, multiple submitters, no conflicts (2 of 4 stars). 2 submissions from 2 submitters: Uncertain significance (2). Last evaluated 2024-02-03.

Conditions:
Charcot-Marie-Tooth disease type 2. Also called: Charcot-Marie-Tooth type 2. Identifiers: Orphanet 64746, MedGen C0270914, MONDO:0018993.

Allele frequency attached by ClinVar (database versions not stated): gnomAD exomes below 0.00001; TOPMed below 0.00001.

Submissions (2):

Labcorp Genetics (formerly Invitae), Labcorp
Classification: Uncertain significance for Charcot-Marie-Tooth disease type 2. Last evaluated: 2024-02-03. Review status: criteria provided, single submitter. Criteria: Invitae Variant Classification Sherloc (09022015). Collection method: clinical testing. Allele origin: germline.
Comment: This sequence change replaces isoleucine, which is neutral and non-polar, with threonine, which is neutral and polar, at codon 249 of the BSCL2 protein (p.Ile249Thr). This variant is not present in population databases (gnomAD no frequency). This variant has not been reported in the literature in individuals affected with BSCL2-related conditions. ClinVar contains an entry for this variant (Variation ID: 1806645). Advanced modeling of protein sequence and biophysical properties (such as structural, functional, and spatial information, amino acid conservation, physicochemical variation, residue mobility, and thermodynamic stability) has been performed at Invitae for this missense variant, however the output from this modeling did not meet the statistical confidence thresholds required to predict the impact of this variant on BSCL2 protein function. In summary, the available evidence is currently insufficient to determine the role of this variant in disease. Therefore, it has been classified as a Variant of Uncertain Significance.

GeneDx
Classification: Uncertain significance. Last evaluated: 2022-06-21. Review status: criteria provided, single submitter. Criteria: GeneDx Variant Classification Process June 2021. Collection method: clinical testing. Allele origin: germline. Affected: yes.
Comment: Not observed at significant frequency in large population cohorts (gnomAD); In silico analysis supports that this missense variant has a deleterious effect on protein structure/function; Has not been previously published as pathogenic or benign to our knowledge; This variant is associated with the following publications: (PMID: 18790819)